The following is an entry in ClinVar:

NM_001510.4(GRID2):c.614A>G (p.Asn205Ser)

Gene: GRID2 (glutamate ionotropic receptor delta type subunit 2; plus strand). Cytogenetic location: 4q22.2.
Variant type: single nucleotide variant.
Coding change: c.614A>G on transcript NM_001510.4 (MANE Select); coding-DNA position 614, A replaced by G.
Protein change: p.Asn205Ser; replaces asparagine 205 with serine.
Molecular consequence: missense variant.
Genome position (GRCh38, 1-based): chr4:93,110,832, A>G. VCF-style: chr4-93110832-A-G. GRCh37 (hg19) VCF-style: chr4-94031983-A-G.
Other names: c.329A>G, p.Asn110Ser (NM_001286838.1); c.614A>G (NM_001510.2); short protein forms N110S, N205S.
Identifiers: ClinVar variation 2191914 (VCV002191914.5), dbSNP rs540216022, ClinGen allele CA3012006.
Genomic context (GRCh38, chr4:93,110,832, plus strand): 5'-TGGACAAAGTCTCTCAGCAGGGAATGGATGTTGCACTTCAGAAGGTAGAAAACAACATCA[A>G]TAAAATGATTACCACTCTCTTTGACACCATGAGAATAGAAGAACTGAATCGCTATCGAGA-3'
Protein context (NP_001501.2, residues 195-215): VALQKVENNI[Asn205Ser]KMITTLFDTM

ClinVar aggregate classification (germline): Uncertain significance. Review status: criteria provided, multiple submitters, no conflicts (2 of 4 stars). 2 submissions from 2 submitters: Uncertain significance (2). Last evaluated 2026-02-02.

Conditions:
Inborn genetic diseases. Identifiers: MedGen C0950123, MeSH D030342.

Allele frequency attached by ClinVar (database versions not stated): gnomAD exomes 0.00003; TOPMed 0.00006; ExAC 0.00007.
gnomAD v4.1: 42 of 1,611,780 alleles (0.0026%); highest among the groups gnomAD compares: Admixed American, 0.057%; no homozygotes.

Submissions (2):

Labcorp Genetics (formerly Invitae), Labcorp
Classification: Uncertain significance. Last evaluated: 2026-02-02. Review status: criteria provided, single submitter. Criteria: Invitae Variant Classification Sherloc (09022015). Collection method: clinical testing. Allele origin: germline.
Comment: This sequence change replaces asparagine, which is neutral and polar, with serine, which is neutral and polar, at codon 205 of the GRID2 protein (p.Asn205Ser). This variant is present in population databases (rs540216022, gnomAD 0.08%). This variant has not been reported in the literature in individuals affected with GRID2-related conditions. ClinVar contains an entry for this variant (Variation ID: 2191914). Invitae Evidence Modeling of protein sequence and biophysical properties (such as structural, functional, and spatial information, amino acid conservation, physicochemical variation, residue mobility, and thermodynamic stability) indicates that this missense variant is not expected to disrupt GRID2 protein function with a negative predictive value of 80%. In summary, the available evidence is currently insufficient to determine the role of this variant in disease. Therefore, it has been classified as a Variant of Uncertain Significance.

Ambry Genetics
Classification: Uncertain significance for Inborn genetic diseases. Last evaluated: 2025-04-13. Review status: criteria provided, single submitter. Criteria: Ambry Variant Classification Scheme 2023. Collection method: clinical testing. Allele origin: germline.